The following is an entry in ClinVar:

ClinVar aggregate classification (germline): Uncertain significance. Review status: criteria provided, multiple submitters, no conflicts (2 of 4 stars). 2 submissions from 2 submitters: Uncertain significance (2). Last evaluated 2026-03-17.

Conditions:
Bardet-Biedl syndrome 1 (BBS1). Identifiers: MedGen C2936862, MONDO:0008854, OMIM 209900. Disease mechanism: loss of function.
BBS1-related disorder. Also called: BBS1-related condition.

gnomAD v4.1: 2 of 1,614,068 alleles (0.00012%); highest among the groups gnomAD compares: Admixed American, 0.0033%; no homozygotes.

Submissions (2):

PreventionGenetics, part of Exact Sciences
Classification: Uncertain significance for BBS1-related condition. Last evaluated: 2026-03-17. Review status: criteria provided, single submitter. Criteria: ACMG Guidelines, 2015. Collection method: clinical testing. Allele origin: germline.
Comment: The BBS1 c.582C>G variant is predicted to result in the amino acid substitution p.Ile194Met. To our knowledge, this variant has not been reported in the literature. This variant is reported in 0.0029% of alleles in individuals of Latino descent in gnomAD. At this time, the clinical significance of this variant is uncertain due to the absence of conclusive functional and genetic evidence.

Fulgent Genetics
Classification: Uncertain significance for Bardet-Biedl syndrome 1. Last evaluated: 2024-06-09. Review status: criteria provided, single submitter. Criteria: ACMG Guidelines, 2015. Collection method: clinical testing. Allele origin: germline.

NM_024649.5(BBS1):c.582C>G (p.Ile194Met)

Gene: BBS1 (Bardet-Biedl syndrome 1; plus strand). Cytogenetic location: 11q13.2.
Variant type: single nucleotide variant.
Coding change: c.582C>G on transcript NM_024649.5 (MANE Select); coding-DNA position 582, C replaced by G.
Protein change: p.Ile194Met; replaces isoleucine 194 with methionine.
Molecular consequence: missense variant.
Genome position (GRCh38, 1-based): chr11:66,515,924, C>G. VCF-style: chr11-66515924-C-G. GRCh37 (hg19) VCF-style: chr11-66283395-C-G.
Other names: c.582C>G (NM_024649.4); short protein forms I194M.
Identifiers: ClinVar variation 3600109 (VCV003600109.2).